The following is an entry in ClinVar:

NM_000260.4(MYO7A):c.593-4G>A

Gene: MYO7A (myosin VIIA; plus strand). Cytogenetic location: 11q13.5.
Variant type: single nucleotide variant.
Coding change: c.593-4G>A on transcript NM_000260.4 (MANE Select); 4 bases into the intron before coding-DNA position 593, G replaced by A.
Molecular consequence: intron variant.
Genome position (GRCh38, 1-based): chr11:77,156,858, G>A. VCF-style: chr11-77156858-G-A. GRCh37 (hg19) VCF-style: chr11-76867904-G-A.
Other names: c.560-4G>A (NM_001369365.1); c.593-4G>A (NM_001127180.2).
Identifiers: ClinVar variation 227687 (VCV000227687.14), dbSNP rs876657534, ClinGen allele CA10577198.
Genomic context (GRCh38, chr11:77,156,858, plus strand): 5'-GAGGGTGGGACCAGGCAGTGGGGCGGGAGCGGGCTTTGCCAGTGACACCCTACTCACTCC[G>A]CAGCATTTGGGAATGCCAAGACCATCCGCAATGACAACTCAAGCCGTTTCGGAAAGTACA-3'

ClinVar aggregate classification (germline): Likely benign. Review status: criteria provided, multiple submitters, no conflicts (2 of 4 stars). 4 submissions from 4 submitters: Likely benign (3). 1 of the submissions does not count toward it. Last evaluated 2025-09-20.

Conditions:
MYO7A-related disorder. Also called: MYO7A-related disorders.
Autosomal recessive nonsyndromic hearing loss 2. Also called: DEAFNESS, AUTOSOMAL RECESSIVE 2; NEUROSENSORY NONSYNDROMIC RECESSIVE DEAFNESS 2. Identifiers: Orphanet 90636, MedGen C1838701, MONDO:0010807, OMIM 600060.
Usher syndrome type 1 (USH1). Also called: RETINITIS PIGMENTOSA AND CONGENITAL DEAFNESS. Identifiers: Orphanet 231169, Orphanet 886, MedGen C1568247, MONDO:0010168, OMIM 276900.

Allele frequency attached by ClinVar (database versions not stated): gnomAD exomes below 0.00001; TOPMed 0.00002; gnomAD 0.00003.
gnomAD v4.1: 54 of 1,613,836 alleles (0.0033%); highest among the groups gnomAD compares: Non-Finnish European, 0.0039%; no homozygotes.

Submissions (4):

PreventionGenetics, part of Exact Sciences
Classification: Likely benign for MYO7A-related condition. Last evaluated: 2025-09-20. Review status: criteria provided, single submitter. Criteria: ACMG Guidelines, 2015. Collection method: clinical testing. Allele origin: germline.
Comment: This variant is classified as likely benign based on ACMG/AMP sequence variant interpretation guidelines (Richards et al. 2015 PMID: 25741868, with internal and published modifications).

Labcorp Genetics (formerly Invitae), Labcorp
Classification: Likely benign. Last evaluated: 2023-11-13. Review status: criteria provided, single submitter. Criteria: Invitae Variant Classification Sherloc (09022015). Collection method: clinical testing. Allele origin: germline.

Laboratory for Molecular Medicine, Mass General Brigham Personalized Medicine
Classification: Likely benign. Last evaluated: 2015-02-26. Review status: criteria provided, single submitter. Criteria: LMM Criteria. Collection method: clinical testing. Allele origin: germline. Observed: 1 variant allele.
Comment: c.593-4G>A in intron 6 of MYO7A: This variant is not expected to have clinical significance because the -4 position in the 3' splice site is not an invariant position within the splice consensus sequence and computational splice models do not predict an impact to splicing. In addition, many mammals have an adenine (A ) at this nucleotide position.

Counsyl
Classification: Uncertain significance for Usher syndrome type 1; Autosomal recessive nonsyndromic hearing loss 2. Last evaluated: 2018-01-23. Review status: no assertion criteria provided. Collection method: clinical testing. Allele origin: unknown. Not counted in ClinVar's aggregate classification.